The following is an entry in ClinVar:

ClinVar aggregate classification (germline): Uncertain significance (1 of 4 stars; one submission).

Allele frequency attached by ClinVar (database versions not stated): TOPMed 0.00001; gnomAD exomes 0.00004.

Submission:

Labcorp Genetics (formerly Invitae), Labcorp
Classification: Uncertain significance. Last evaluated: 2025-07-28. Review status: criteria provided, single submitter. Criteria: Invitae Variant Classification Sherloc (09022015). Collection method: clinical testing. Allele origin: germline.
Comment: This sequence change replaces serine, which is neutral and polar, with isoleucine, which is neutral and non-polar, at codon 1091 of the CACNA1G protein (p.Ser1091Ile). The frequency data for this variant in the population databases is considered unreliable, as metrics indicate poor data quality at this position in the gnomAD database. This variant has not been reported in the literature in individuals affected with CACNA1G-related conditions. ClinVar contains an entry for this variant (Variation ID: 3001813). Invitae Evidence Modeling of protein sequence and biophysical properties (such as structural, functional, and spatial information, amino acid conservation, physicochemical variation, residue mobility, and thermodynamic stability) has been performed for this missense variant. However, the output from this modeling did not meet the statistical confidence thresholds required to predict the impact of this variant on CACNA1G protein function. Algorithms developed to predict the effect of sequence changes on RNA splicing suggest that this variant may create or strengthen a splice site. In summary, the available evidence is currently insufficient to determine the role of this variant in disease. Therefore, it has been classified as a Variant of Uncertain Significance.

NM_018896.5(CACNA1G):c.3272G>T (p.Ser1091Ile)

Gene: CACNA1G (calcium voltage-gated channel subunit alpha1 G; plus strand). Cytogenetic location: 17q21.33.
Variant type: single nucleotide variant.
Coding change: c.3272G>T on transcript NM_018896.5 (MANE Select); coding-DNA position 3272, G replaced by T.
Protein change: p.Ser1091Ile; replaces serine 1091 with isoleucine.
Molecular consequence: missense variant. On other transcripts: non-coding transcript variant (5).
Genome position (GRCh38, 1-based): chr17:50,599,441, G>T. VCF-style: chr17-50599441-G-T. GRCh37 (hg19) VCF-style: chr17-48676802-G-T.
Other names: c.3272G>T, p.Ser1091Ile (NM_001256324.2, NM_001256325.2, NM_001256326.2 and 16 more transcripts); c.3203G>T, p.Ser1068Ile (NM_001256332.2, NM_198376.3, NM_198379.3 and 5 more transcripts); short protein forms S1068I, S1091I.
Identifiers: ClinVar variation 3001813 (VCV003001813.3), dbSNP rs1270079546, ClinGen allele CA400252840.